The following is an entry in ClinVar:

NM_000522.5(HOXA13):c.275C>G (p.Ala92Gly)

Genes: HOXA13 (homeobox A13; minus strand), LOC107126288 (NUP98-HOXA13 recombination region; plus strand). Cytogenetic location: 7p15.2.
Variant type: single nucleotide variant.
Coding change: c.275C>G on transcript NM_000522.5 (MANE Select); coding-DNA position 275, C replaced by G.
Protein change: p.Ala92Gly; replaces alanine 92 with glycine.
Molecular consequence: missense variant.
Genome position (GRCh38, 1-based): chr7:27,199,803, G>C on the plus strand (C>G on the coding strand, the complement: HOXA13 is on the minus strand). VCF-style: chr7-27199803-G-C. GRCh37 (hg19) VCF-style: chr7-27239422-G-C.
Other names: c.275C>G (NM_000522.4); short protein forms A92G.
Identifiers: ClinVar variation 2184291 (VCV002184291.5), dbSNP rs1232777611, ClinGen allele CA367075087.
Genomic context (GRCh38, chr7:27,199,803, plus strand): 5'-GCCTCCCCGGGGGCGCTGCTGTAGGCGGACGCGGCTCCTGGCGCCAAGGGCGCCGGGTGC[G>C]CCATCAGGTTGCGGCACTGGTTGGCCGCGGCCGCCGCCGCAGCCGCGGCCGCCGCCGCCA-3'
Protein context (NP_000513.2, residues 82-102): AAANQCRNLM[Ala92Gly]HPAPLAPGAA

ClinVar aggregate classification (germline): Uncertain significance. Review status: criteria provided, multiple submitters, no conflicts (2 of 4 stars). 2 submissions from 2 submitters: Uncertain significance (2). Last evaluated 2025-07-02.

Conditions:
Inborn genetic diseases. Identifiers: MedGen C0950123, MeSH D030342.

Allele frequency attached by ClinVar (database versions not stated): gnomAD 0.00001; TOPMed 0.00002.
gnomAD v4.1: 3 of 1,018,650 alleles (0.00029%); highest among the groups gnomAD compares: Non-Finnish European, 0.00024%; no homozygotes.

Submissions (2):

Ambry Genetics
Classification: Uncertain significance for Inborn genetic diseases. Last evaluated: 2025-07-02. Review status: criteria provided, single submitter. Criteria: Ambry Variant Classification Scheme 2023. Collection method: clinical testing. Allele origin: germline.

Labcorp Genetics (formerly Invitae), Labcorp
Classification: Uncertain significance. Last evaluated: 2025-06-12. Review status: criteria provided, single submitter. Criteria: Invitae Variant Classification Sherloc (09022015). Collection method: clinical testing. Allele origin: germline.
Comment: This sequence change replaces alanine, which is neutral and non-polar, with glycine, which is neutral and non-polar, at codon 92 of the HOXA13 protein (p.Ala92Gly). The frequency data for this variant in the population databases is considered unreliable, as metrics indicate insufficient coverage at this position in the gnomAD database. This variant has not been reported in the literature in individuals affected with HOXA13-related conditions. ClinVar contains an entry for this variant (Variation ID: 2184291). Invitae Evidence Modeling of protein sequence and biophysical properties (such as structural, functional, and spatial information, amino acid conservation, physicochemical variation, residue mobility, and thermodynamic stability) indicates that this missense variant is not expected to disrupt HOXA13 protein function with a negative predictive value of 80%. In summary, the available evidence is currently insufficient to determine the role of this variant in disease. Therefore, it has been classified as a Variant of Uncertain Significance.